The following is an entry in ClinVar:

NM_005477.3(HCN4):c.200C>G (p.Ser67Cys)

Gene: HCN4 (hyperpolarization activated cyclic nucleotide gated potassium channel 4; minus strand). Cytogenetic location: 15q24.1.
Variant type: single nucleotide variant.
Coding change: c.200C>G on transcript NM_005477.3 (MANE Select); coding-DNA position 200, C replaced by G.
Protein change: p.Ser67Cys; replaces serine 67 with cysteine.
Molecular consequence: missense variant.
Genome position (GRCh38, 1-based): chr15:73,368,071, G>C on the plus strand (C>G on the coding strand, the complement: HCN4 is on the minus strand). VCF-style: chr15-73368071-G-C. GRCh37 (hg19) VCF-style: chr15-73660412-G-C.
Other names: short protein forms S67C.
Identifiers: ClinVar variation 4750372 (VCV004750372.1).

ClinVar aggregate classification (germline): Uncertain significance (1 of 4 stars; one submission).

Conditions:
Brugada syndrome 8 (BRGDA8). Identifiers: Orphanet 130, MedGen C2751083, MONDO:0013148, OMIM 613123.

gnomAD v4.1: 6 of 1,486,282 alleles (0.0004%); highest among the groups gnomAD compares: Non-Finnish European, 0.00053%; no homozygotes.

Submission:

Labcorp Genetics (formerly Invitae), Labcorp
Classification: Uncertain significance for Brugada syndrome 8. Last evaluated: 2025-06-03. Review status: criteria provided, single submitter. Criteria: Invitae Variant Classification Sherloc (09022015). Collection method: clinical testing. Allele origin: germline.
Comment: This sequence change replaces serine, which is neutral and polar, with cysteine, which is neutral and slightly polar, at codon 67 of the HCN4 protein (p.Ser67Cys). This variant is not present in population databases (gnomAD no frequency). This variant has not been reported in the literature in individuals affected with HCN4-related conditions. Invitae Evidence Modeling of protein sequence and biophysical properties (such as structural, functional, and spatial information, amino acid conservation, physicochemical variation, residue mobility, and thermodynamic stability) indicates that this missense variant is not expected to disrupt HCN4 protein function with a negative predictive value of 95%. In summary, the available evidence is currently insufficient to determine the role of this variant in disease. Therefore, it has been classified as a Variant of Uncertain Significance.